The following is an entry in ClinVar:

GRCh37/hg19 1q25.3-32.1(chr1:180800361-203181850)x3

Genes: CFHR4 (complement factor H related 4; plus strand), CFHR5 (complement factor H related 5; plus strand), ODR4 (odr-4 GPCR localization factor homolog; plus strand), PCAT6 (prostate cancer associated transcript 6; plus strand), PDC (phosducin; minus strand) and 110 more. Cytogenetic location: 1q25.3-32.1.
Variant type: copy number gain.
Change: copy number 3 (three copies instead of two) of chr1:180,800,361-203,181,850 (22.38 Mb, GRCh37 coordinates, 1-based), cytogenetic band 1q25.3-32.1.
Identifiers: ClinVar variation 4682509 (VCV004682509.1).

ClinVar aggregate classification (germline): Pathogenic (1 of 4 stars; one submission).

Submission:

Quest Diagnostics Nichols Institute San Juan Capistrano
Classification: Pathogenic. Last evaluated: 2025-04-16. Review status: criteria provided, single submitter. Criteria: ACMG/ClinGen CNV Guidelines, 2019. Collection method: clinical testing. Allele origin: unknown.
Comment: This duplication involves more than 100 protein-coding genes. Smaller de novo, heterozygous duplications overlapping the current interval have been reported in individuals with variable phenotypes (Huang 2013, Miolo 2019, Olson 2012). There are no similar copy number gains of this region in the general populations of the Database of Genomic Variants. Thus, based on current medical literature and gene count, this copy number variant (CNV) is classified as pathogenic. References: Huang et al., Int J Pediatr Otorhinolaryngol. 2013 Apr;77(4):560-4. PMID: 23312528 Miolo et al., Eur J Med Genet. 2019 Sep;62(9):103558. PMID: 31405577 Olson et al., Eur J Med Genet. 2012 Feb;55(2):145-50. PMID: 22266072